The following is an entry in ClinVar:

ClinVar aggregate classification (germline): Uncertain significance. Review status: criteria provided, multiple submitters, no conflicts (2 of 4 stars). 3 submissions from 3 submitters: Uncertain significance (3). Last evaluated 2024-06-17.

Conditions:
Sucrase-isomaltase deficiency (CSID). Also called: Deficiency of isomaltase; SI DEFICIENCY; Congenital sucrose isomaltose malabsorption; Sucrose isomaltose enzyme deficiency. Identifiers: Orphanet 35122, MedGen C1283620, MONDO:0009114, OMIM 222900.

Allele frequency attached by ClinVar (database versions not stated): gnomAD exomes 0.00001; ExAC 0.00002; TOPMed 0.00002.
gnomAD v4.1: 5 of 1,612,100 alleles (0.00031%); highest among the groups gnomAD compares: Admixed American, 0.0083%; no homozygotes.

Submissions (3):

GeneDx
Classification: Uncertain significance. Last evaluated: 2024-06-17. Review status: criteria provided, single submitter. Criteria: GeneDx Variant Classification Process June 2021. Collection method: clinical testing. Allele origin: germline. Affected: yes.
Comment: In silico analysis indicates that this missense variant does not alter protein structure/function; Has not been previously published as pathogenic or benign to our knowledge

Labcorp Genetics (formerly Invitae), Labcorp
Classification: Uncertain significance. Last evaluated: 2024-04-27. Review status: criteria provided, single submitter. Criteria: Invitae Variant Classification Sherloc (09022015). Collection method: clinical testing. Allele origin: germline.
Comment: This sequence change replaces phenylalanine, which is neutral and non-polar, with leucine, which is neutral and non-polar, at codon 1281 of the SI protein (p.Phe1281Leu). This variant is present in population databases (rs778183835, gnomAD 0.01%). This variant has not been reported in the literature in individuals affected with SI-related conditions. ClinVar contains an entry for this variant (Variation ID: 1979143). Algorithms developed to predict the effect of missense changes on protein structure and function output the following: SIFT: "Not Available"; PolyPhen-2: "Benign"; Align-GVGD: "Not Available". The leucine amino acid residue is found in multiple mammalian species, which suggests that this missense change does not adversely affect protein function. In summary, the available evidence is currently insufficient to determine the role of this variant in disease. Therefore, it has been classified as a Variant of Uncertain Significance.

Fulgent Genetics
Classification: Uncertain significance for Sucrase-isomaltase deficiency. Last evaluated: 2024-01-09. Review status: criteria provided, single submitter. Criteria: ACMG Guidelines, 2015. Collection method: clinical testing. Allele origin: germline.

NM_001041.4(SI):c.3843T>G (p.Phe1281Leu)

Gene: SI (sucrase-isomaltase; minus strand). Cytogenetic location: 3q26.1.
Variant type: single nucleotide variant.
Coding change: c.3843T>G on transcript NM_001041.4 (MANE Select); coding-DNA position 3843, T replaced by G.
Protein change: p.Phe1281Leu; replaces phenylalanine 1281 with leucine.
Molecular consequence: missense variant.
Genome position (GRCh38, 1-based): chr3:165,015,997, A>C on the plus strand (T>G on the coding strand, the complement: SI is on the minus strand). VCF-style: chr3-165015997-A-C. GRCh37 (hg19) VCF-style: chr3-164733785-A-C.
Other names: c.3843T>G (NM_001041.3); short protein forms F1281L.
Identifiers: ClinVar variation 1979143 (VCV001979143.6), dbSNP rs778183835, ClinGen allele CA2690123.